The following is an entry in ClinVar:

ClinVar aggregate classification (germline): Uncertain significance (1 of 4 stars; one submission).

Conditions:
Hereditary sensory neuropathy-deafness-dementia syndrome. Also called: Hereditary sensory neuropathy type IE; NEUROPATHY, HEREDITARY SENSORY, WITH HEARING LOSS AND DEMENTIA; Hereditary Sensory and Autonomic Neuropathy Type 1E (HSAN1E); HSN IE. Identifiers: Orphanet 456318, MedGen C3279885, MONDO:0013584, OMIM 614116.

Allele frequency attached by ClinVar (database versions not stated): gnomAD 0.00001; gnomAD exomes 0.00001; TOPMed 0.00001.
gnomAD v4.1: 6 of 1,613,324 alleles (0.00037%); highest among the groups gnomAD compares: African/African-American, 0.004%; no homozygotes.

Submission:

Labcorp Genetics (formerly Invitae), Labcorp
Classification: Uncertain significance for Hereditary sensory neuropathy-deafness-dementia syndrome. Last evaluated: 2023-02-05. Review status: criteria provided, single submitter. Criteria: Invitae Variant Classification Sherloc (09022015). Collection method: clinical testing. Allele origin: germline.
Comment: In summary, the available evidence is currently insufficient to determine the role of this variant in disease. Therefore, it has been classified as a Variant of Uncertain Significance. Algorithms developed to predict the effect of sequence changes on RNA splicing suggest that this variant may disrupt the consensus splice site. This variant has not been reported in the literature in individuals affected with DNMT1-related conditions. This variant is present in population databases (no rsID available, gnomAD 0.003%). This sequence change falls in intron 23 of the DNMT1 gene. It does not directly change the encoded amino acid sequence of the DNMT1 protein.

NM_001130823.3(DNMT1):c.2118-12G>A

Gene: DNMT1 (DNA methyltransferase 1; minus strand). Cytogenetic location: 19p13.2.
Variant type: single nucleotide variant.
Coding change: c.2118-12G>A on transcript NM_001130823.3 (MANE Select); 12 bases into the intron before coding-DNA position 2118, G replaced by A.
Molecular consequence: intron variant.
Genome position (GRCh38, 1-based): chr19:10,151,557, C>T on the plus strand (G>A on the coding strand, the complement: DNMT1 is on the minus strand). VCF-style: chr19-10151557-C-T. GRCh37 (hg19) VCF-style: chr19-10262233-C-T.
Other names: c.1755-12G>A (NM_001318731.2); c.2070-12G>A (NM_001379.4, NM_001318730.2).
Identifiers: ClinVar variation 2053406 (VCV002053406.4), dbSNP rs1391781652, ClinGen allele CA631451092.